The following is an entry in ClinVar:

NM_032803.6(SLC7A3):c.628G>A (p.Val210Ile)

Gene: SLC7A3 (solute carrier family 7 member 3; minus strand). Cytogenetic location: Xq13.1.
Variant type: single nucleotide variant.
Coding change: c.628G>A on transcript NM_032803.6 (MANE Select); coding-DNA position 628, G replaced by A.
Protein change: p.Val210Ile; replaces valine 210 with isoleucine.
Molecular consequence: missense variant.
Genome position (GRCh38, 1-based): chrX:70,928,535, C>T on the plus strand (G>A on the coding strand, the complement: SLC7A3 is on the minus strand). VCF-style: chrX-70928535-C-T. GRCh37 (hg19) VCF-style: chrX-70148385-C-T.
Other names: c.628G>A, p.Val210Ile (NM_001048164.3); short protein forms V210I.
Identifiers: ClinVar variation 3771600 (VCV003771600.13).

ClinVar aggregate classification (germline): Likely benign (1 of 4 stars; one submission).

gnomAD v4.1: 23 of 1,204,339 alleles (0.0019%); highest among the groups gnomAD compares: Middle Eastern, 0.023%; no homozygotes.

Submission:

CeGaT Center for Human Genetics Tuebingen
Classification: Likely benign. Last evaluated: 2024-12-01. Review status: criteria provided, single submitter. Criteria: CeGaT Center For Human Genetics Tuebingen Variant Classification Criteria Version 2. Collection method: clinical testing. Allele origin: germline. Affected: yes. Observed: 1 variant allele.
Comment: SLC7A3: BP4